The following is an entry in ClinVar:

NM_002700.3(POU4F3):c.952del (p.Val317_Val318insTer)

Genes: POU4F3 (POU class 4 homeobox 3; plus strand), RBM27-POU4F3 (RBM27-POU4F3 readthrough; plus strand). Cytogenetic location: 5q32.
Variant type: Deletion.
Coding change: c.952del on transcript NM_002700.3 (MANE Select); coding-DNA position 952, one base deleted (G; older notation c.952delG).
Protein change: p.Val317_Val318insTer.
Molecular consequence: nonsense. On other transcripts: 3 prime UTR variant (1).
Genome position (GRCh38, 1-based): chr5:146,340,379, G deleted; the last of 2 consecutive G bases (chr5:146,340,378-146,340,379); deleting either gives the same sequence. VCF-style (leftmost placement, unchanged base first): chr5-146340377-TG-T. GRCh37 (hg19) VCF-style: chr5-145719940-TG-T.
Other names: c.*821del (NM_001414499.1).
Identifiers: ClinVar variation 4857387 (VCV004857387.1).

ClinVar aggregate classification (germline): Pathogenic (1 of 4 stars; one submission).

Conditions:
Autosomal dominant nonsyndromic hearing loss 15 (DFNA15). Also called: Autosomal dominant nonsyndromic hearing loss 52; DEAFNESS, AUTOSOMAL DOMINANT 52. Identifiers: Orphanet 90635, MedGen C1865366, MONDO:0011226, OMIM 602459.

Submission:

Precision Medicine Center, Zhengzhou University
Classification: Pathogenic for Autosomal dominant nonsyndromic hearing loss 15. Last evaluated: 2006-06-30. Review status: criteria provided, single submitter. Criteria: ClinGen HL ACMG Specifications v1. Collection method: clinical testing. Allele origin: paternal. Affected: yes.
Comment: PVS1+PM2:The POU4F3 c.952del variant is a single-nucleotide deletion predicted to cause a frameshift, resulting in a premature termination codon and likely leading to nonsense-mediated mRNA decay or production of a truncated protein. Haploinsufficiency (loss of function) is an established disease mechanism for POU4F3-related autosomal dominant hearing loss; therefore, this variant meets the PVS1 criterion. The variant is absent or extremely rare in population databases, including gnomAD, supporting its rarity in the general population (PM2). Based on the ACMG/AMP guidelines, this variant meets the criteria PVS1 and PM2, and is therefore classified as Pathogenic.

Literature cited by the submitters: PubMed 30192042.